The following is an entry in ClinVar:

ClinVar aggregate classification (germline): Uncertain significance. Review status: criteria provided, multiple submitters, no conflicts (2 of 4 stars). 3 submissions from 3 submitters: Uncertain significance (3). Last evaluated 2023-12-22.

Conditions:
Inborn genetic diseases. Identifiers: MedGen C0950123, MeSH D030342.
CC2D2A-related disorder. Also called: CC2D2A-related condition; CC2D2A-related disorders. Identifiers: MedGen CN239313.
Joubert syndrome. Also called: JOUBERT-BOLTSHAUSER SYNDROME; Familial aplasia of the vermis. Identifiers: Orphanet 475, MedGen C5979921, MONDO:0018772.
Meckel-Gruber syndrome. Also called: Dysencephalia splachnocystica; DYSENCEPHALIA SPLANCHNOCYSTICA; GRUBER SYNDROME. Identifiers: Orphanet 564, MedGen C0265215, MONDO:0018921.

Allele frequency attached by ClinVar (database versions not stated): TOPMed 0.00001; ExAC 0.00002; gnomAD exomes 0.00002.
gnomAD v4.1: 14 of 1,613,550 alleles (0.00087%); highest among the groups gnomAD compares: Non-Finnish European, 0.0012%; no homozygotes.

Submissions (3):

Ambry Genetics
Classification: Uncertain significance for Inborn genetic diseases. Last evaluated: 2023-12-22. Review status: criteria provided, single submitter. Criteria: Ambry Variant Classification Scheme 2023. Collection method: clinical testing. Allele origin: germline.

PreventionGenetics, part of Exact Sciences
Classification: Uncertain significance for CC2D2A-related condition. Last evaluated: 2023-08-30. Review status: criteria provided, single submitter. Criteria: ACMG Guidelines, 2015. Collection method: clinical testing. Allele origin: germline.
Comment: The CC2D2A c.3256C>A variant is predicted to result in the amino acid substitution p.Pro1086Thr. To our knowledge, this variant has not been reported in the literature. This variant is reported in 0.0044% of alleles in individuals of European (Non-Finnish) descent in gnomAD. At this time, the clinical significance of this variant is uncertain due to the absence of conclusive functional and genetic evidence.

Labcorp Genetics (formerly Invitae), Labcorp
Classification: Uncertain significance for Joubert syndrome; Meckel-Gruber syndrome. Last evaluated: 2021-09-01. Review status: criteria provided, single submitter. Criteria: Invitae Variant Classification Sherloc (09022015). Collection method: clinical testing. Allele origin: germline.
Comment: This sequence change replaces proline with threonine at codon 1086 of the CC2D2A protein (p.Pro1086Thr). The proline residue is moderately conserved and there is a small physicochemical difference between proline and threonine. This variant is present in population databases (rs756918920, ExAC 0.005%). This variant has not been reported in the literature in individuals affected with CC2D2A-related conditions. Algorithms developed to predict the effect of missense changes on protein structure and function (SIFT, PolyPhen-2, Align-GVGD) all suggest that this variant is likely to be tolerated. In summary, the available evidence is currently insufficient to determine the role of this variant in disease. Therefore, it has been classified as a Variant of Uncertain Significance.

NM_001378615.1(CC2D2A):c.3256C>A (p.Pro1086Thr)

Genes: CC2D2A (coiled-coil and C2 domain containing 2A; plus strand), FBXL5 (F-box and leucine rich repeat protein 5; minus strand). Cytogenetic location: 4p15.32.
Variant type: single nucleotide variant.
Coding change: c.3256C>A on transcript NM_001378615.1 (MANE Select); coding-DNA position 3256, C replaced by A.
Protein change: p.Pro1086Thr; replaces proline 1086 with threonine.
Molecular consequence: missense variant.
Genome position (GRCh38, 1-based): chr4:15,567,450, C>A. VCF-style: chr4-15567450-C-A. GRCh37 (hg19) VCF-style: chr4-15569073-C-A.
Other names: c.3256C>A, p.Pro1086Thr (NM_001080522.2); c.3109C>A, p.Pro1037Thr (NM_001378617.1); short protein forms P1037T, P1086T.
Identifiers: ClinVar variation 1052835 (VCV001052835.8), dbSNP rs756918920, ClinGen allele CA2864116.